The following is an entry in ClinVar:

NM_000540.3(RYR1):c.11810C>T (p.Ser3937Leu)

Gene: RYR1 (ryanodine receptor 1; plus strand). Cytogenetic location: 19q13.2.
Variant type: single nucleotide variant.
Coding change: c.11810C>T on transcript NM_000540.3 (MANE Select); coding-DNA position 11810, C replaced by T.
Protein change: p.Ser3937Leu; replaces serine 3937 with leucine.
Molecular consequence: missense variant.
Genome position (GRCh38, 1-based): chr19:38,543,563, C>T. VCF-style: chr19-38543563-C-T. GRCh37 (hg19) VCF-style: chr19-39034203-C-T.
Other names: c.11795C>T, p.Ser3932Leu (NM_001042723.2); short protein forms S3932L, S3937L.
Identifiers: ClinVar variation 2435532 (VCV002435532.5), dbSNP rs1204208366, ClinGen allele CA405661792.
Genomic context (GRCh38, chr19:38,543,563, plus strand): 5'-CCCCCTCACACCCTACCCGCCCCCACCAGGAATCCATCAGCGACTTCTACTGGTACTACT[C>T]GGGCAAGGATGTCATTGAAGAGCAGGGCAAGAGGAACTTCTCCAAAGCCATGTCGGTGGC-3'
Protein context (NP_000531.2, residues 3927-3947): ESISDFYWYY[Ser3937Leu]GKDVIEEQGK

ClinVar aggregate classification (germline): Uncertain significance. Review status: criteria provided, multiple submitters, no conflicts (2 of 4 stars). 3 submissions from 3 submitters: Uncertain significance (3). Last evaluated 2024-07-31.

Conditions:
Malignant hyperthermia, susceptibility to, 1 (MHS1). Also called: Anesthesia related hyperthermia; Malignant hyperpyrexia; Fulminating hyperpyrexia; Pharmacogenic myopathy; Malignant hyperthermia suceptibility 1; RYR1-Related Malignant Hyperthermia Susceptibility. Identifiers: Orphanet 423, MedGen C2930980, MONDO:0007783, OMIM 145600.
Inborn genetic diseases. Identifiers: MedGen C0950123, MeSH D030342.

Allele frequency attached by ClinVar (database versions not stated): TOPMed below 0.00001.
gnomAD v4.1: 4 of 1,614,146 alleles (0.00025%); highest among the groups gnomAD compares: South Asian, 0.0011%; no homozygotes.

Submissions (3):

Ambry Genetics
Classification: Uncertain significance for Inborn genetic diseases. Last evaluated: 2024-07-31. Review status: criteria provided, single submitter. Criteria: Ambry Variant Classification Scheme 2023. Collection method: clinical testing. Allele origin: germline.

All of Us Research Program, National Institutes of Health
Classification: Uncertain significance for Malignant hyperthermia, susceptibility to, 1. Last evaluated: 2023-03-04. Review status: criteria provided, single submitter. Criteria: ACMG Guidelines, 2015. Collection method: clinical testing. Allele origin: germline. Inheritance: Autosomal dominant inheritance. Observed: 1 variant allele, 1 heterozygote.
Comment: This study involves interpretation of variants in research participants for the purpose of population health screening. Participant phenotype was not available at the time of variant classification. Additional details can be found in publication PMID: 35346344, PMCID: PMC8962531

Revvity Omics, Revvity
Classification: Uncertain significance. Last evaluated: 2019-10-30. Review status: criteria provided, single submitter. Criteria: ACMG Guidelines, 2015. Collection method: clinical testing. Allele origin: germline.